The following is an entry in ClinVar:

ClinVar aggregate classification (germline): Uncertain significance (1 of 4 stars; one submission).

Conditions:
Inborn genetic diseases. Identifiers: MedGen C0950123, MeSH D030342.

gnomAD v4.1: 1 of 1,613,584 alleles (0.000062%); highest among the groups gnomAD compares: Non-Finnish European, 0.000085%; no homozygotes.

Submission:

Ambry Genetics
Classification: Uncertain significance for Inborn genetic diseases. Last evaluated: 2025-04-11. Review status: criteria provided, single submitter. Criteria: Ambry Variant Classification Scheme 2023. Collection method: clinical testing. Allele origin: germline.
Comment: The p.Q702H variant (also known as c.2106A>C), located in coding exon 16 of the BUB1B gene, results from an A to C substitution at nucleotide position 2106. The glutamine at codon 702 is replaced by histidine, an amino acid with highly similar properties. This amino acid position is conserved. In addition, this alteration is predicted to be tolerated by in silico analysis. Since supporting evidence is limited at this time, the clinical significance of this alteration remains unclear.

NM_001211.6(BUB1B):c.2106A>C (p.Gln702His)

Gene: BUB1B (BUB1 mitotic checkpoint serine/threonine kinase B; plus strand). Cytogenetic location: 15q15.1.
Variant type: single nucleotide variant.
Coding change: c.2106A>C on transcript NM_001211.6 (MANE Select); coding-DNA position 2106, A replaced by C.
Protein change: p.Gln702His; replaces glutamine 702 with histidine.
Molecular consequence: missense variant.
Genome position (GRCh38, 1-based): chr15:40,208,733, A>C. VCF-style: chr15-40208733-A-C. GRCh37 (hg19) VCF-style: chr15-40500934-A-C.
Other names: short protein forms Q702H.
Identifiers: ClinVar variation 2497659 (VCV002497659.3), dbSNP rs2542569744, ClinGen allele CA391693760.